The following is an entry in ClinVar:

ClinVar aggregate classification (germline): Uncertain significance (1 of 4 stars; one submission).

Conditions:
Congenital cataract-microcephaly-nevus flammeus simplex-severe intellectual disability syndrome. Also called: Basel-Vanagaite-Smirin-Yosef syndrome. Identifiers: Orphanet 464738, MedGen C4225323, MONDO:0014643, OMIM 616449.
Charcot-Marie-Tooth disease type 2. Also called: Charcot-Marie-Tooth type 2. Identifiers: Orphanet 64746, MedGen C0270914, MONDO:0018993.

gnomAD v4.1: 1 of 1,614,108 alleles (0.000062%); highest among the groups gnomAD compares: Non-Finnish European, 0.000085%; no homozygotes.

Submission:

Labcorp Genetics (formerly Invitae), Labcorp
Classification: Uncertain significance for Charcot-Marie-Tooth disease type 2. Last evaluated: 2021-03-22. Review status: criteria provided, single submitter. Criteria: Invitae Variant Classification Sherloc (09022015). Collection method: clinical testing. Allele origin: germline.
Comment: In summary, the available evidence is currently insufficient to determine the role of this variant in disease. Therefore, it has been classified as a Variant of Uncertain Significance. Algorithms developed to predict the effect of missense changes on protein structure and function are either unavailable or do not agree on the potential impact of this missense change (SIFT: "Deleterious"; PolyPhen-2: "Benign"; Align-GVGD: "Class C0"). This variant has not been reported in the literature in individuals with MED25-related conditions. This variant is not present in population databases (ExAC no frequency). This sequence change replaces valine with leucine at codon 141 of the MED25 protein (p.Val141Leu). The valine residue is highly conserved and there is a small physicochemical difference between valine and leucine.

NM_030973.4(MED25):c.421G>C (p.Val141Leu)

Gene: MED25 (mediator complex subunit 25; plus strand). Cytogenetic location: 19q13.33.
Variant type: single nucleotide variant.
Coding change: c.421G>C on transcript NM_030973.4 (MANE Select); coding-DNA position 421, G replaced by C.
Protein change: p.Val141Leu; replaces valine 141 with leucine.
Molecular consequence: missense variant.
Genome position (GRCh38, 1-based): chr19:49,828,986, G>C. VCF-style: chr19-49828986-G-C. GRCh37 (hg19) VCF-style: chr19-50332243-G-C.
Other names: c.421G>C (NM_030973.3); c.421G>C, p.Val141Leu (NM_001378355.1); short protein forms V141L.
Identifiers: ClinVar variation 1523679 (VCV001523679.9), dbSNP rs1398290748, ClinGen allele CA406912172.